The following is an entry in ClinVar:

ClinVar aggregate classification (germline): Uncertain significance (1 of 4 stars; one submission).

Submission:

Mayo Clinic Laboratories, Mayo Clinic
Classification: Uncertain significance. Last evaluated: 2024-06-18. Review status: criteria provided, single submitter. Criteria: ACMG Guidelines, 2015. Collection method: clinical testing. Allele origin: germline. Observed: 1 variant allele.
Comment: PP3, PM1_supporting, PM2

NM_000132.4(F8):c.246G>T (p.Lys82Asn)

Gene: F8 (coagulation factor VIII; minus strand). Cytogenetic location: Xq28.
Variant type: single nucleotide variant.
Coding change: c.246G>T on transcript NM_000132.4 (MANE Select); coding-DNA position 246, G replaced by T.
Protein change: p.Lys82Asn; replaces lysine 82 with asparagine.
Molecular consequence: missense variant.
Genome position (GRCh38, 1-based): chrX:154,999,498, C>A on the plus strand (G>T on the coding strand, the complement: F8 is on the minus strand). VCF-style: chrX-154999498-C-A. GRCh37 (hg19) VCF-style: chrX-154227773-C-A.
Other names: p.Lys82Asn; short protein forms K82N.
Identifiers: ClinVar variation 3380772 (VCV003380772.1).